The following is an entry in ClinVar:

NM_006180.6(NTRK2):c.1320G>A (p.Ala440=)

Gene: NTRK2 (neurotrophic receptor tyrosine kinase 2; plus strand). Cytogenetic location: 9q21.33.
Variant type: single nucleotide variant.
Coding change: c.1320G>A on transcript NM_006180.6 (MANE Select); coding-DNA position 1320, G replaced by A.
Protein change: p.Ala440=; no amino-acid change (alanine 440 retained).
Molecular consequence: synonymous variant.
Genome position (GRCh38, 1-based): chr9:84,752,009, G>A. VCF-style: chr9-84752009-G-A. GRCh37 (hg19) VCF-style: chr9-87366924-G-A.
Other names: c.1320G>A (NM_006180.4); c.1320G>A, p.Ala440= (NM_001007097.3, NM_001018064.3, NM_001018065.2 and 16 more transcripts); c.1281G>A, p.Ala427= (NM_001291937.2, NM_001369546.1); c.1284G>A, p.Ala428= (NM_001369534.1); c.852G>A, p.Ala284= (NM_001369535.1, NM_001369536.1, NM_001369550.1 and 2 more transcripts).
Identifiers: ClinVar variation 1920969 (VCV001920969.30), dbSNP rs574538007, ClinGen allele CA5105715.

ClinVar aggregate classification (germline): Likely benign. Review status: criteria provided, multiple submitters, no conflicts (2 of 4 stars). 3 submissions from 3 submitters: Likely benign (2). 1 of the submissions does not count toward it. Last evaluated 2024-11-14.

Conditions:
NTRK2-related disorder. Also called: NTRK2-related condition.

Allele frequency attached by ClinVar (database versions not stated): gnomAD 0.00003; 1000 Genomes Project 30x 0.00016; 1000 Genomes Project 0.00020; TOPMed 0.00003; gnomAD exomes 0.00004; ExAC 0.00005.
gnomAD v4.1: 70 of 1,613,966 alleles (0.0043%); highest among the groups gnomAD compares: South Asian, 0.035%; no homozygotes.

Submissions (3):

Labcorp Genetics (formerly Invitae), Labcorp
Classification: Likely benign. Last evaluated: 2024-11-14. Review status: criteria provided, single submitter. Criteria: Invitae Variant Classification Sherloc (09022015). Collection method: clinical testing. Allele origin: germline.

CeGaT Center for Human Genetics Tuebingen
Classification: Likely benign. Last evaluated: 2024-08-01. Review status: criteria provided, single submitter. Criteria: CeGaT Center For Human Genetics Tuebingen Variant Classification Criteria Version 2. Collection method: clinical testing. Allele origin: germline. Affected: yes. Observed: 2 variant alleles.
Comment: NTRK2: BP4, BP7

PreventionGenetics, part of Exact Sciences
Classification: Likely benign for NTRK2-related condition. Last evaluated: 2020-08-14. Review status: no assertion criteria provided. Collection method: clinical testing. Allele origin: germline. Not counted in ClinVar's aggregate classification.
Comment: This variant is classified as likely benign based on ACMG/AMP sequence variant interpretation guidelines (Richards et al. 2015 PMID: 25741868, with internal and published modifications).